The following is an entry in ClinVar:

ClinVar aggregate classification (germline): Uncertain significance (1 of 4 stars; one submission).

Submission:

Labcorp Genetics (formerly Invitae), Labcorp
Classification: Uncertain significance. Last evaluated: 2022-05-18. Review status: criteria provided, single submitter. Criteria: Invitae Variant Classification Sherloc (09022015). Collection method: clinical testing. Allele origin: germline.
Comment: In summary, the available evidence is currently insufficient to determine the role of this variant in disease. Therefore, it has been classified as a Variant of Uncertain Significance. This sequence change replaces leucine, which is neutral and non-polar, with phenylalanine, which is neutral and non-polar, at codon 853 of the ABCA4 protein (p.Leu853Phe). Algorithms developed to predict the effect of missense changes on protein structure and function output the following: SIFT: "Deleterious"; PolyPhen-2: "Benign"; Align-GVGD: "Class C15". The phenylalanine amino acid residue is found in multiple mammalian species, which suggests that this missense change does not adversely affect protein function. This variant has not been reported in the literature in individuals affected with ABCA4-related conditions. This variant is not present in population databases (gnomAD no frequency).

NM_000350.3(ABCA4):c.2557C>T (p.Leu853Phe)

Gene: ABCA4 (ATP binding cassette subfamily A member 4; minus strand). Cytogenetic location: 1p22.1.
Variant type: single nucleotide variant.
Coding change: c.2557C>T on transcript NM_000350.3 (MANE Select); coding-DNA position 2557, C replaced by T.
Protein change: p.Leu853Phe; replaces leucine 853 with phenylalanine.
Molecular consequence: missense variant.
Genome position (GRCh38, 1-based): chr1:94,055,141, G>A on the plus strand (C>T on the coding strand, the complement: ABCA4 is on the minus strand). VCF-style: chr1-94055141-G-A. GRCh37 (hg19) VCF-style: chr1-94520697-G-A.
Other names: c.2335C>T, p.Leu779Phe (NM_001425324.1); short protein forms L853F, L779F.
Identifiers: ClinVar variation 1995890 (VCV001995890.4), dbSNP rs2523816231, ClinGen allele CA341276831.
Genomic context (GRCh38, chr1:94,055,141, plus strand): 5'-TACCTTTACCCTATAGAGGAGGATGCTTACCTGGAAACACCTGATCAAGGTACCAAGCGA[G>A]TAAGCCATAGACAGCAGCATCAAGGAGCATCATCTGCATGGACAGCAGGAAGCTGAATTC-3'
Protein context (NP_000341.2, residues 843-863): MLLDAAVYGL[Leu853Phe]AWYLDQVFPG